The following is an entry in ClinVar:

ClinVar aggregate classification (germline): Uncertain significance. Review status: criteria provided, multiple submitters, no conflicts (2 of 4 stars). 3 submissions from 3 submitters: Uncertain significance (3). Last evaluated 2026-07-02.

Conditions:
Hereditary cancer-predisposing syndrome. Also called: Neoplastic Syndromes, Hereditary; Tumor predisposition; Hereditary Cancer Syndrome; Hereditary neoplastic syndrome. Identifiers: Orphanet 140162, MedGen C0027672, MeSH D009386, MONDO:0015356.
Familial cancer of breast. Also called: Hereditary breast cancer; BREAST CANCER, FAMILIAL; hereditary breast carcinoma. Identifiers: Orphanet 227535, MedGen C0346153, MONDO:0016419, OMIM 114480. Disease mechanism: loss of function.

Allele frequency attached by ClinVar (database versions not stated): gnomAD exomes below 0.00001.
gnomAD v4.1: 1 of 1,613,124 alleles (0.000062%); highest among the groups gnomAD compares: East Asian, 0.0022%; no homozygotes.

Submissions (3):

Ambry Genetics
Classification: Uncertain significance for Hereditary cancer-predisposing syndrome. Last evaluated: 2026-07-02. Review status: criteria provided, single submitter. Criteria: Ambry Variant Classification Scheme 2023. Collection method: clinical testing. Allele origin: germline.
Comment: The p.D111G variant (also known as c.332A>G), located in coding exon 4 of the PALB2 gene, results from an A to G substitution at nucleotide position 332. The aspartic acid at codon 111 is replaced by glycine, an amino acid with similar properties. This amino acid position is conserved. In addition, this alteration is predicted to be tolerated by in silico analysis. Based on the available evidence, the clinical significance of this variant remains unclear.

Labcorp Genetics (formerly Invitae), Labcorp
Classification: Uncertain significance for Familial cancer of breast. Last evaluated: 2024-12-30. Review status: criteria provided, single submitter. Criteria: Invitae Variant Classification Sherloc (09022015). Collection method: clinical testing. Allele origin: germline.
Comment: This sequence change replaces aspartic acid, which is acidic and polar, with glycine, which is neutral and non-polar, at codon 111 of the PALB2 protein (p.Asp111Gly). This variant is not present in population databases (gnomAD no frequency). This variant has not been reported in the literature in individuals affected with PALB2-related conditions. ClinVar contains an entry for this variant (Variation ID: 1316478). An algorithm developed to predict the effect of missense changes on protein structure and function outputs the following: PolyPhen-2: "Benign". The glycine amino acid residue is found in multiple mammalian species, which suggests that this missense change does not adversely affect protein function. In summary, the available evidence is currently insufficient to determine the role of this variant in disease. Therefore, it has been classified as a Variant of Uncertain Significance.

GeneDx
Classification: Uncertain significance. Last evaluated: 2019-10-14. Review status: criteria provided, single submitter. Criteria: GeneDx Variant Classification Process June 2021. Collection method: clinical testing. Allele origin: germline. Affected: yes.
Comment: Not observed in large population cohorts (Lek et al., 2016); In silico analysis, which includes protein predictors and evolutionary conservation, supports that this variant does not alter protein structure/function; Has not been previously published as a pathogenic or benign germline variant to our knowledge; This variant is associated with the following publications: (PMID: 30614742)

NM_024675.4(PALB2):c.332A>G (p.Asp111Gly)

Gene: PALB2 (partner and localizer of BRCA2; minus strand). Cytogenetic location: 16p12.2.
Variant type: single nucleotide variant.
Coding change: c.332A>G on transcript NM_024675.4 (MANE Select); coding-DNA position 332, A replaced by G.
Protein change: p.Asp111Gly; replaces aspartic acid 111 with glycine.
Molecular consequence: missense variant.
Genome position (GRCh38, 1-based): chr16:23,636,214, T>C on the plus strand (A>G on the coding strand, the complement: PALB2 is on the minus strand). VCF-style: chr16-23636214-T-C. GRCh37 (hg19) VCF-style: chr16-23647535-T-C.
Other names: short protein forms D111G.
Identifiers: ClinVar variation 1316478 (VCV001316478.6), dbSNP rs2142445830, ClinGen allele CA395137796.